The following is an entry in ClinVar:

NM_004415.4(DSP):c.2087A>G (p.Gln696Arg)

Gene: DSP (desmoplakin; plus strand). Cytogenetic location: 6p24.3.
Variant type: single nucleotide variant.
Coding change: c.2087A>G on transcript NM_004415.4 (MANE Select); coding-DNA position 2087, A replaced by G.
Protein change: p.Gln696Arg; replaces glutamine 696 with arginine.
Molecular consequence: missense variant.
Genome position (GRCh38, 1-based): chr6:7,572,025, A>G. VCF-style: chr6-7572025-A-G. GRCh37 (hg19) VCF-style: chr6-7572258-A-G.
Other names: c.2087A>G, p.Gln696Arg (NM_001008844.3, NM_001319034.2); short protein forms Q696R.
Identifiers: ClinVar variation 923181 (VCV000923181.6), dbSNP rs1759072711, ClinGen allele CA362680523.

ClinVar aggregate classification (germline): Uncertain significance. Review status: criteria provided, multiple submitters, no conflicts (2 of 4 stars). 2 submissions from 2 submitters: Uncertain significance (2). Last evaluated 2024-03-06.

Conditions:
Arrhythmogenic cardiomyopathy with wooly hair and keratoderma. Also called: PALMOPLANTAR KERATODERMA WITH LEFT VENTRICULAR CARDIOMYOPATHY AND WOOLLY HAIR; Carvajal syndrome; Dilated cardiomyopathy with woolly hair and keratoderma; Arrhythmogenic cardiomyopathy with woolly hair and keratoderma. Identifiers: Orphanet 65282, MedGen C1854063, MONDO:0011581, OMIM 605676.
Cardiomyopathy (CMYO). Also called: Cardiomyopathies. Identifiers: Orphanet 167848, MedGen C0878544, MONDO:0004994, HP:0001638. Inheritance: Various modes of inheritance.

Submissions (2):

Color Diagnostics, LLC DBA Color Health
Classification: Uncertain significance for Cardiomyopathy. Last evaluated: 2024-03-06. Review status: criteria provided, single submitter. Criteria: ACMG Guidelines, 2015. Collection method: clinical testing. Allele origin: germline.
Comment: This missense variant replaces glutamine with arginine at codon 696 of the DSP protein. Computational prediction suggests that this variant may not impact protein structure and function (internally defined REVEL score threshold <= 0.5, PMID: 27666373). To our knowledge, functional studies have not been reported for this variant. This variant has not been reported in individuals affected with cardiovascular disorders in the literature. This variant has not been identified in the general population by the Genome Aggregation Database (gnomAD). The available evidence is insufficient to determine the role of this variant in disease conclusively. Therefore, this variant is classified as a Variant of Uncertain Significance.

All of Us Research Program, National Institutes of Health
Classification: Uncertain significance for Arrhythmogenic cardiomyopathy with wooly hair and keratoderma. Last evaluated: 2023-09-17. Review status: criteria provided, single submitter. Criteria: ACMG Guidelines, 2015. Collection method: clinical testing. Allele origin: germline. Inheritance: Autosomal dominant inheritance. Observed: 1 variant allele, 1 heterozygote.
Comment: This missense variant replaces glutamine with arginine at codon 696 of the DSP protein. Computational prediction suggests that this variant may not impact protein structure and function (internally defined REVEL score threshold <= 0.5, PMID: 27666373). To our knowledge, functional studies have not been reported for this variant. This variant has not been reported in individuals affected with cardiovascular disorders in the literature. This variant has not been identified in the general population by the Genome Aggregation Database (gnomAD). The available evidence is insufficient to determine the role of this variant in disease conclusively. Therefore, this variant is classified as a Variant of Uncertain Significance.

This study involves interpretation of variants in research participants for the purpose of population health screening. Participant phenotype was not available at the time of variant classification. Additional details can be found in publication PMID: 35346344, PMCID: PMC8962531